The following is an entry in ClinVar:

NM_001384910.1(GUCA1A):c.472G>T (p.Glu158Ter)

Genes: GUCA1ANB-GUCA1A (GUCA1ANB-GUCA1A readthrough; plus strand), GUCA1A (guanylate cyclase activator 1A; plus strand). Cytogenetic location: 6p21.1.
Variant type: single nucleotide variant.
Coding change: c.472G>T on transcript NM_001384910.1 (MANE Select); coding-DNA position 472, G replaced by T.
Protein change: p.Glu158Ter; replaces glutamic acid 158 with a stop codon.
Molecular consequence: nonsense.
Genome position (GRCh38, 1-based): chr6:42,179,269, G>T. VCF-style: chr6-42179269-G-T. GRCh37 (hg19) VCF-style: chr6-42147007-G-T.
Other names: c.472G>T, p.Glu158Ter (NM_000409.5, NM_001319061.2, NM_001319062.2); short protein forms E158*.
Identifiers: ClinVar variation 3612576 (VCV003612576.2).

ClinVar aggregate classification (germline): Uncertain significance (1 of 4 stars; one submission).

Submission:

Labcorp Genetics (formerly Invitae), Labcorp
Classification: Uncertain significance. Last evaluated: 2024-06-21. Review status: criteria provided, single submitter. Criteria: Invitae Variant Classification Sherloc (09022015). Collection method: clinical testing. Allele origin: germline.
Comment: This sequence change creates a premature translational stop signal (p.Glu158*) in the GUCA1A gene. While this is not anticipated to result in nonsense mediated decay, it is expected to disrupt the last 44 amino acid(s) of the GUCA1A protein. This variant is not present in population databases (gnomAD no frequency). This variant has not been reported in the literature in individuals affected with GUCA1A-related conditions. In summary, the available evidence is currently insufficient to determine the role of this variant in disease. Therefore, it has been classified as a Variant of Uncertain Significance.